The following is an entry in ClinVar:

ClinVar aggregate classification (germline): Conflicting classifications of pathogenicity. Review status: criteria provided, conflicting classifications (1 of 4 stars). 6 submissions from 6 submitters: Likely pathogenic (5); Uncertain significance (1). Last evaluated 2026-08-03.

Conditions:
MEN1-related disorder. Also called: MEN1-related condition.
Hereditary cancer-predisposing syndrome. Also called: Tumor predisposition; Neoplastic Syndromes, Hereditary; Hereditary Cancer Syndrome; Hereditary neoplastic syndrome. Identifiers: Orphanet 140162, MedGen C0027672, MeSH D009386, MONDO:0015356.
Multiple endocrine neoplasia, type 1 (MEN1). Also called: Endocrine adenomatosis multiple; MEN 1; MEN I; WERMER SYNDROME; MEA I. Identifiers: Orphanet 652, MedGen C0025267, MeSH D018761, MONDO:0007540, OMIM 131100.

Submissions (6):

Ambry Genetics
Classification: Likely pathogenic for Hereditary cancer-predisposing syndrome. Last evaluated: 2026-08-03. Review status: criteria provided, single submitter. Criteria: Ambry Variant Classification Scheme 2023. Collection method: clinical testing. Allele origin: germline.
Comment: The c.1670_1672delAGA variant (also known as p.K557del) is located in coding exon 9 of the MEN1 gene. This variant results from an in-frame AGA deletion at nucleotide positions 1670 to 1672. This results in the in-frame deletion of a lysine at codon 557. This variant was reported in individual(s) with features consistent with multiple endocrine neoplasia type 1 (Giraud S et al. Am J Hum Genet, 1998 Aug;63:455-67). This amino acid position is highly conserved in available vertebrate species, and the impacted region is critical for protein function (Ambry internal data). In addition, this variant is predicted to be deleterious by in silico analysis (Choi Y et al. PLoS ONE. 2012; 7(10):e46688). As such, this variant is classified as likely pathogenic.

Labcorp Genetics (formerly Invitae), Labcorp
Classification: Likely pathogenic for Multiple endocrine neoplasia, type 1. Last evaluated: 2024-07-16. Review status: criteria provided, single submitter. Criteria: Invitae Variant Classification Sherloc (09022015). Collection method: clinical testing. Allele origin: germline.
Comment: This variant, c.1670_1672del, results in the deletion of 1 amino acid(s) of the MEN1 protein (p.Lys557del), but otherwise preserves the integrity of the reading frame. This variant is not present in population databases (gnomAD no frequency). This variant has been observed in individual(s) with multiple endocrine neoplasia type 1 (PMID: 9683585, 22026581). This variant is also known as 1780delAGA. ClinVar contains an entry for this variant (Variation ID: 201023). Experimental studies and prediction algorithms are not available or were not evaluated, and the functional significance of this variant is currently unknown. In summary, the currently available evidence indicates that the variant is pathogenic, but additional data are needed to prove that conclusively. Therefore, this variant has been classified as Likely Pathogenic.

Myriad Genetics, Inc.
Classification: Likely pathogenic for Multiple endocrine neoplasia, type 1. Last evaluated: 2023-07-07. Review status: criteria provided, single submitter. Criteria: Myriad Autosomal Dominant, Autosomal Recessive and X-Linked Classification Criteria (2023). Collection method: clinical testing. Allele origin: unknown.
Comment: This variant is considered likely pathogenic. This variant has been reported in multiple individuals with clinical features of gene-specific disease [PMID: 12746426, 22026581, 9683585, 15714081]. This variant is expected to disrupt protein structure [Myriad internal data].

PreventionGenetics, part of Exact Sciences
Classification: Likely pathogenic for MEN1-related condition. Last evaluated: 2023-06-01. Review status: criteria provided, single submitter. Criteria: ACMG Guidelines, 2015. Collection method: clinical testing. Allele origin: germline.
Comment: The MEN1 c.1670_1672delAGA variant is predicted to result in an in-frame deletion (p.Lys557del). This variant has been reported in individuals with multiple endocrine neoplasia (Table 1, referred to as 1780deAGA, Giraud et al. 1998. PubMed ID: 9683585; Table 1, referred to as 780delAGA, Wautot et al. 2002. PubMed ID: 12112656; Table 1, referred to as 1780del3, Cebrian et al, 2003. PubMed ID: 12746426; Table 1, Klein et al. 2005. PubMed ID: 15714081; Table 1, Belar et al. 2012. PubMed ID: 22026581). This variant has not been reported in a large population database, indicating this variant is rare. It has conflicting interpretations of likely pathogenic and uncertain significance in ClinVar. This variant is interpreted as likely pathogenic.

Quest Diagnostics Nichols Institute San Juan Capistrano
Classification: Uncertain significance. Last evaluated: 2022-05-13. Review status: criteria provided, single submitter. Criteria: Quest Diagnostics criteria. Collection method: clinical testing. Allele origin: unknown.
Comment: It has not been reported in large, multi-ethnic general populations. In the published literature, the variant has been reported in affected individuals with multiple endocrine neoplasia type 1 (PMIDs: 9683585 (1998), 15714081 (2005), 22026581 (2012), and 23165842 (2012)). Based on the available information, we are unable to determine the clinical significance of this variant.

GeneDx
Classification: Likely pathogenic. Last evaluated: 2018-08-28. Review status: criteria provided, single submitter. Criteria: GeneDx Variant Classification (06012015). Collection method: clinical testing. Allele origin: germline. Affected: yes.
Comment: This in-frame deletion of three nucleotides in MEN1 is denoted c.1670_1672delAGA at the cDNA level and p.Lys557del (K557del) at the protein level. The normal sequence, with the bases that are deleted in brackets, is GAGA[delAGA]TGAA. This variant, also published as 1780delAGA using alternate nomenclature, was observed in several individuals with clinical histories consistent with multiple endocrine neoplasia type 1 (MEN1) (Giraud 1998, Cebri?n 2002, Wautot 2002, Cebri?n 2003). This variant was not observed in large population cohorts (Lek 2016). This deletion of a single Lysine amino acid is not located in a known functional domain. In-silico analysis, which includes protein predictors and evolutionary conservation, supports a deleterious effect. Based on currently available evidence, we consider this deletion to be likely pathogenic.

Literature cited by the submitters: PubMed 9683585 (cited by 4 submitters); PubMed 22026581 (cited by 3 submitters); PubMed 12746426 (cited by Myriad Genetics, Inc.); PubMed 15714081 (cited by Myriad Genetics, Inc. and Quest Diagnostics Nichols Institute San Juan Capistrano); PubMed 23165842 (cited by Quest Diagnostics Nichols Institute San Juan Capistrano).

NM_001370259.2(MEN1):c.1667AGA[1] (p.Lys557del)

Gene: MEN1 (menin 1; minus strand). Cytogenetic location: 11q13.1.
Variant type: Microsatellite.
Coding change: c.1667AGA[1] on transcript NM_001370259.2 (MANE Select); one copy of the 3-base unit AGA starting at c.1667; the reference has two copies in a row; one copy, 3 bases deleted.
Protein change: p.Lys557del; deletes lysine 557.
Molecular consequence: inframe deletion.
Genome position (GRCh38, 1-based): chr11:64,804,495-64,804,497, TCT deleted on the plus strand (AGA on the coding strand, the reverse complement: MEN1 is on the minus strand); deleting any 3 consecutive bases within chr11:64,804,495-64,804,500 gives the same sequence; the position shown is the placement nearest the transcript's 3' end. VCF-style (leftmost placement, unchanged base first): chr11-64804494-ATCT-A. GRCh37 (hg19) VCF-style: chr11-64571966-ATCT-A.
Other names: c.1670_1672del (NM_130799.2); c.1682AGA[1], p.Lys562del (NM_000244.4, NM_130800.3, NM_130801.3 and 3 more transcripts); c.1793AGA[1], p.Lys599del (NM_001370251.2); c.1667AGA[1], p.Lys557del (NM_001370260.2, NM_001370261.2, NM_130799.3); c.1562AGA[1], p.Lys522del (NM_001370262.2, NM_001370263.2); c.1670_1672delAGA (NM_130799.2); short protein forms K557del, K562del, K522del, K599del.
Identifiers: ClinVar variation 201023 (VCV000201023.16), dbSNP rs794728661, ClinGen allele CA009279.